The following is an entry in ClinVar:

ClinVar aggregate classification (germline): Uncertain significance (1 of 4 stars; one submission).

Conditions:
Charcot-Marie-Tooth disease type 4A. Also called: Charcot-Marie-Tooth disease, demyelinating, autosomal recessive, type 4a. Identifiers: Orphanet 99948, MedGen C1859198, MONDO:0008961, OMIM 214400.

gnomAD v4.1: 25 of 1,613,874 alleles (0.0015%); highest among the groups gnomAD compares: South Asian, 0.023%; no homozygotes.

Submission:

Labcorp Genetics (formerly Invitae), Labcorp
Classification: Uncertain significance for Charcot-Marie-Tooth disease type 4A. Last evaluated: 2024-03-01. Review status: criteria provided, single submitter. Criteria: Invitae Variant Classification Sherloc (09022015). Collection method: clinical testing. Allele origin: germline.
Comment: This sequence change replaces valine, which is neutral and non-polar, with methionine, which is neutral and non-polar, at codon 148 of the GDAP1 protein (p.Val148Met). This variant is present in population databases (rs767973703, gnomAD 0.02%). This variant has not been reported in the literature in individuals affected with GDAP1-related conditions. An algorithm developed to predict the effect of missense changes on protein structure and function (PolyPhen-2) suggests that this variant is likely to be disruptive. In summary, the available evidence is currently insufficient to determine the role of this variant in disease. Therefore, it has been classified as a Variant of Uncertain Significance.

NM_018972.4(GDAP1):c.442G>A (p.Val148Met)

Gene: GDAP1 (ganglioside induced differentiation associated protein 1; plus strand). Cytogenetic location: 8q21.11.
Variant type: single nucleotide variant.
Coding change: c.442G>A on transcript NM_018972.4 (MANE Select); coding-DNA position 442, G replaced by A.
Protein change: p.Val148Met; replaces valine 148 with methionine.
Molecular consequence: missense variant. On other transcripts: intron variant (1).
Genome position (GRCh38, 1-based): chr8:74,360,268, G>A. VCF-style: chr8-74360268-G-A. GRCh37 (hg19) VCF-style: chr8-75272503-G-A.
Other names: c.442G>A, p.Val148Met (NM_001362931.2); c.115G>A, p.Val39Met (NM_001362932.2, NM_001362929.2); c.238G>A, p.Val80Met (NM_001040875.4); c.311-1616G>A (NM_001362930.2); short protein forms V148M, V39M, V80M.
Identifiers: ClinVar variation 3625839 (VCV003625839.2).